The following is an entry in ClinVar:

NM_002458.3(MUC5B):c.12023C>T (p.Thr4008Met)

Genes: MUC5B (mucin 5B, oligomeric mucus/gel-forming; plus strand), MUC5B-AS1 (MUC5B antisense RNA 1; minus strand). Cytogenetic location: 11p15.5.
Variant type: single nucleotide variant.
Coding change: c.12023C>T on transcript NM_002458.3 (MANE Select); coding-DNA position 12023, C replaced by T.
Protein change: p.Thr4008Met; replaces threonine 4008 with methionine.
Molecular consequence: missense variant.
Genome position (GRCh38, 1-based): chr11:1,248,903, C>T. VCF-style: chr11-1248903-C-T. GRCh37 (hg19) VCF-style: chr11-1270133-C-T.
Other names: short protein forms T4008M.
Identifiers: ClinVar variation 2471044 (VCV002471044.4), dbSNP rs767648185, ClinGen allele CA5807840.

ClinVar aggregate classification (germline): Uncertain significance. Review status: criteria provided, multiple submitters, no conflicts (2 of 4 stars). 2 submissions from 2 submitters: Uncertain significance (2). Last evaluated 2025-11-11.

Allele frequency attached by ClinVar (database versions not stated): gnomAD exomes 0.00051; gnomAD 0.00036; ExAC 0.00066; 1000 Genomes Project 30x 0.00094.
gnomAD v4.1: 776 of 1,561,576 alleles (0.05%); highest among the groups gnomAD compares: Middle Eastern, 0.14%; no homozygotes.

Submissions (2):

Dasa
Classification: Uncertain significance. Last evaluated: 2025-11-11. Review status: criteria provided, single submitter. Criteria: DASA Assertion Criteria. Collection method: clinical testing. Allele origin: germline.
Comment: NM_002458.3(MUC5B):c.12023C>T (p.Thr4008Met) is a missense variant that results in the substitution of threonine with methionine. This variant is rare in population databases. Computational prediction algorithms are consistent with a benign effect. The currently available literature and clinical evidence are not sufficient to establish a definitive association between this variant and the reported condition. Therefore, this variant is classified as a variant of uncertain significance.

Ambry Genetics
Classification: Uncertain significance. Last evaluated: 2023-01-11. Review status: criteria provided, single submitter. Criteria: Ambry Variant Classification Scheme 2023. Collection method: clinical testing. Allele origin: germline.